The following is an entry in ClinVar:

NM_031407.7(HUWE1):c.10438G>A (p.Ala3480Thr)

Gene: HUWE1 (HECT, UBA and WWE domain containing E3 ubiquitin protein ligase 1; minus strand). Cytogenetic location: Xp11.22.
Variant type: single nucleotide variant.
Coding change: c.10438G>A on transcript NM_031407.7 (MANE Select); coding-DNA position 10438, G replaced by A.
Protein change: p.Ala3480Thr; replaces alanine 3480 with threonine.
Molecular consequence: missense variant.
Genome position (GRCh38, 1-based): chrX:53,547,871, C>T on the plus strand (G>A on the coding strand, the complement: HUWE1 is on the minus strand). VCF-style: chrX-53547871-C-T. GRCh37 (hg19) VCF-style: chrX-53574832-C-T.
Other names: c.10438G>A (NM_031407.4); short protein forms A3480T.
Identifiers: ClinVar variation 3689215 (VCV003689215.3).

ClinVar aggregate classification (germline): Conflicting classifications of pathogenicity. Review status: criteria provided, conflicting classifications (1 of 4 stars). 2 submissions from 2 submitters: Uncertain significance (1); Likely benign (1). Last evaluated 2026-04-10.

Submissions (2):

GeneDx
Classification: Uncertain significance. Last evaluated: 2026-04-10. Review status: criteria provided, single submitter. Criteria: GeneDx Variant Classification Process June 2021. Collection method: clinical testing. Allele origin: germline.
Comment: Not observed at significant frequency in large population cohorts (gnomAD); In silico analysis suggests that this missense variant does not alter protein structure/function; Has not been previously published as pathogenic or benign to our knowledge

Labcorp Genetics (formerly Invitae), Labcorp
Classification: Likely benign. Last evaluated: 2024-04-03. Review status: criteria provided, single submitter. Criteria: Invitae Variant Classification Sherloc (09022015). Collection method: clinical testing. Allele origin: germline.